The following is an entry in ClinVar:

ClinVar aggregate classification (germline): Uncertain significance (1 of 4 stars; one submission).

Conditions:
Inborn genetic diseases. Identifiers: MedGen C0950123, MeSH D030342.

Submission:

Ambry Genetics
Classification: Uncertain significance for Inborn genetic diseases. Last evaluated: 2025-06-22. Review status: criteria provided, single submitter. Criteria: Ambry Variant Classification Scheme 2023. Collection method: clinical testing. Allele origin: germline.
Comment: The p.H996Q variant (also known as c.2988C>A), located in coding exon 13 of the MECOM gene, results from a C to A substitution at nucleotide position 2988. The histidine at codon 996 is replaced by glutamine, an amino acid with highly similar properties. This amino acid position is conserved. In addition, this alteration is predicted to be deleterious by in silico analysis. Based on the available evidence, the clinical significance of this variant remains unclear.

NM_004991.4(MECOM):c.2988C>A (p.His996Gln)

Gene: MECOM (MDS1 and EVI1 complex locus; minus strand). Cytogenetic location: 3q26.2.
Variant type: single nucleotide variant.
Coding change: c.2988C>A on transcript NM_004991.4 (MANE Select); coding-DNA position 2988, C replaced by A.
Protein change: p.His996Gln; replaces histidine 996 with glutamine.
Molecular consequence: missense variant.
Genome position (GRCh38, 1-based): chr3:169,095,107, G>T on the plus strand (C>A on the coding strand, the complement: MECOM is on the minus strand). VCF-style: chr3-169095107-G-T. GRCh37 (hg19) VCF-style: chr3-168812895-G-T.
Other names: c.2619C>A, p.His873Gln (NM_001105077.4); c.2424C>A, p.His808Gln (NM_001105078.4, NM_001205194.2, NM_001366469.2 and 1 more transcripts); c.2400C>A, p.His800Gln (NM_001163999.2, NM_001366470.2); c.2397C>A, p.His799Gln (NM_001164000.2, NM_001366471.2, NM_001366472.2); c.2961C>A, p.His987Gln (NM_001366466.2); c.2427C>A, p.His809Gln (NM_001366467.2, NM_001366468.2); c.1989C>A, p.His663Gln (NM_001366473.2); c.1425C>A, p.His475Gln (NM_001366474.2); short protein forms H475Q, H799Q, H800Q, H663Q, H809Q, H987Q, H808Q, H873Q.
Identifiers: ClinVar variation 4105733 (VCV004105733.1).